The following is an entry in ClinVar:

ClinVar aggregate classification (germline): Uncertain significance. Review status: criteria provided, multiple submitters, no conflicts (2 of 4 stars). 4 submissions from 4 submitters: Uncertain significance (3). 1 of the submissions does not count toward it. Last evaluated 2025-12-19.

Conditions:
Hereditary cancer-predisposing syndrome. Also called: Neoplastic Syndromes, Hereditary; Hereditary neoplastic syndrome; Tumor predisposition; Hereditary Cancer Syndrome. Identifiers: Orphanet 140162, MedGen C0027672, MeSH D009386, MONDO:0015356.
Ataxia-telangiectasia syndrome (AT). Also called: Ataxia telangiectasia (A-T); Cerebello-oculocutaneous telangiectasia; Immunodeficiency with ataxia telangiectasia; LOUIS-BAR SYNDROME; AT, COMPLEMENTATION GROUP C; ATAXIA-TELANGIECTASIA, FRESNO VARIANT. Identifiers: Orphanet 100, MedGen C0004135, MONDO:0008840, OMIM 208900.

Allele frequency attached by ClinVar (database versions not stated): ExAC 0.00001; TOPMed 0.00001; gnomAD 0.00001.
gnomAD v4.1: 28 of 1,613,800 alleles (0.0017%); highest among the groups gnomAD compares: Non-Finnish European, 0.0022%; no homozygotes.

Submissions (4):

Labcorp Genetics (formerly Invitae), Labcorp
Classification: Uncertain significance for Ataxia-telangiectasia syndrome. Last evaluated: 2025-12-19. Review status: criteria provided, single submitter. Criteria: Invitae Variant Classification Sherloc (09022015). Collection method: clinical testing. Allele origin: germline.
Comment: This sequence change replaces leucine, which is neutral and non-polar, with valine, which is neutral and non-polar, at codon 2760 of the ATM protein (p.Leu2760Val). This variant is present in population databases (rs758609900, gnomAD 0.0009%). This variant has not been reported in the literature in individuals affected with ATM-related conditions. ClinVar contains an entry for this variant (Variation ID: 230632). Invitae Evidence Modeling of protein sequence and biophysical properties (such as structural, functional, and spatial information, amino acid conservation, physicochemical variation, residue mobility, and thermodynamic stability) has been performed for this missense variant. However, the output from this modeling did not meet the statistical confidence thresholds required to predict the impact of this variant on ATM protein function. In summary, the available evidence is currently insufficient to determine the role of this variant in disease. Therefore, it has been classified as a Variant of Uncertain Significance.

Ambry Genetics
Classification: Uncertain significance for Hereditary cancer-predisposing syndrome. Last evaluated: 2023-10-27. Review status: criteria provided, single submitter. Criteria: Ambry Variant Classification Scheme 2023. Collection method: clinical testing. Allele origin: germline.
Comment: The p.L2760V variant (also known as c.8278C>G), located in coding exon 56 of the ATM gene, results from a C to G substitution at nucleotide position 8278. The leucine at codon 2760 is replaced by valine, an amino acid with highly similar properties. This amino acid position is highly conserved through mammals in available vertebrate species. In addition, the in silico prediction for this alteration is inconclusive. Since supporting evidence is limited at this time, the clinical significance of this alteration remains unclear.

Color Diagnostics, LLC DBA Color Health
Classification: Uncertain significance for Hereditary cancer-predisposing syndrome. Last evaluated: 2023-02-06. Review status: criteria provided, single submitter. Criteria: ACMG Guidelines, 2015. Collection method: clinical testing. Allele origin: germline.
Comment: This missense variant replaces leucine with valine at codon 2760 of the ATM protein. Computational prediction is inconclusive regarding the impact of this variant on protein structure and function (internally defined REVEL score threshold 0.5 < inconclusive < 0.7, PMID: 27666373). To our knowledge, functional studies have not been reported for this variant. This variant has not been reported in individuals affected with ATM-related disorders in the literature. This variant has been identified in 1/251380 chromosomes in the general population by the Genome Aggregation Database (gnomAD). The available evidence is insufficient to determine the role of this variant in disease conclusively. Therefore, this variant is classified as a Variant of Uncertain Significance.

Natera, Inc.
Classification: Uncertain significance for Ataxia-telangiectasia. Last evaluated: 2021-02-25. Review status: no assertion criteria provided. Collection method: clinical testing. Allele origin: germline. Not counted in ClinVar's aggregate classification.

NM_000051.4(ATM):c.8278C>G (p.Leu2760Val)

Genes: ATM (ATM serine/threonine kinase; plus strand), C11orf65 (chromosome 11 open reading frame 65; minus strand). Cytogenetic location: 11q22.3.
Variant type: single nucleotide variant.
Coding change: c.8278C>G on transcript NM_000051.4 (MANE Select); coding-DNA position 8278, C replaced by G.
Protein change: p.Leu2760Val; replaces leucine 2760 with valine.
Molecular consequence: missense variant. On other transcripts: intron variant (2).
Genome position (GRCh38, 1-based): chr11:108,343,231, C>G. VCF-style: chr11-108343231-C-G. GRCh37 (hg19) VCF-style: chr11-108213958-C-G.
Other names: c.8278C>G, p.Leu2760Val (NM_001351834.2); c.641-34160G>C (NM_001330368.2); c.695-7939G>C (NM_001351110.2); short protein forms L2760V.
Identifiers: ClinVar variation 230632 (VCV000230632.23), dbSNP rs758609900, ClinGen allele CA6266343.